The following is an entry in ClinVar:

ClinVar aggregate classification (germline): Uncertain significance (1 of 4 stars; one submission).

Submission:

Ambry Genetics
Classification: Uncertain significance. Last evaluated: 2024-04-01. Review status: criteria provided, single submitter. Criteria: Ambry Variant Classification Scheme 2023. Collection method: clinical testing. Allele origin: germline.
Comment: The p.Q83E variant (also known as c.247C>G), located in coding exon 1 of the EGLN2 gene, results from a C to G substitution at nucleotide position 247. The glutamine at codon 83 is replaced by glutamic acid, an amino acid with highly similar properties. This amino acid position is conserved. In addition, this alteration is predicted to be tolerated by in silico analysis. Based on the available evidence, the clinical significance of this alteration remains unclear.

NM_080732.4(EGLN2):c.247C>G (p.Gln83Glu)

Genes: EGLN2 (egl-9 family hypoxia inducible factor 2; plus strand), RAB4B-EGLN2 (RAB4B-EGLN2 readthrough (NMD candidate); plus strand). Cytogenetic location: 19q13.2.
Variant type: single nucleotide variant.
Coding change: c.247C>G on transcript NM_080732.4 (MANE Select); coding-DNA position 247, C replaced by G.
Protein change: p.Gln83Glu; replaces glutamine 83 with glutamic acid.
Molecular consequence: missense variant. On other transcripts: non-coding transcript variant (1).
Genome position (GRCh38, 1-based): chr19:40,800,819, C>G. VCF-style: chr19-40800819-C-G. GRCh37 (hg19) VCF-style: chr19-41306724-C-G.
Other names: c.247C>G, p.Gln83Glu (NM_053046.4); short protein forms Q83E.
Identifiers: ClinVar variation 3274820 (VCV003274820.1).